The following is an entry in ClinVar:

ClinVar aggregate classification (germline): Uncertain significance (1 of 4 stars; one submission).

Conditions:
Neurodevelopmental disorder with hypotonia, stereotypic hand movements, and impaired language. Also called: Intellectual disability, autosomal dominant 20. Identifiers: Orphanet 228384, Orphanet 664410, MedGen C3150700, MONDO:0013266, OMIM 613443.

Submission:

Labcorp Genetics (formerly Invitae), Labcorp
Classification: Uncertain significance for Neurodevelopmental disorder with hypotonia, stereotypic hand movements, and impaired language. Last evaluated: 2024-07-30. Review status: criteria provided, single submitter. Criteria: Invitae Variant Classification Sherloc (09022015). Collection method: clinical testing. Allele origin: germline.
Comment: This sequence change falls in intron 6 of the MEF2C gene. It does not directly change the encoded amino acid sequence of the MEF2C protein. This variant is not present in population databases (gnomAD no frequency). This variant has not been reported in the literature in individuals affected with MEF2C-related conditions. Algorithms developed to predict the effect of sequence changes on RNA splicing suggest that this variant may create or strengthen a splice site. In summary, the available evidence is currently insufficient to determine the role of this variant in disease. Therefore, it has been classified as a Variant of Uncertain Significance.

NM_002397.5(MEF2C):c.638-4A>G

Gene: MEF2C (myocyte enhancer factor 2C; minus strand). Cytogenetic location: 5q14.3.
Variant type: single nucleotide variant.
Coding change: c.638-4A>G on transcript NM_002397.5 (MANE Select); 4 bases into the intron before coding-DNA position 638, A replaced by G.
Molecular consequence: intron variant.
Genome position (GRCh38, 1-based): chr5:88,731,905, T>C on the plus strand (A>G on the coding strand, the complement: MEF2C is on the minus strand). VCF-style: chr5-88731905-T-C. GRCh37 (hg19) VCF-style: chr5-88027722-T-C.
Other names: c.638-4A>G (NM_001364329.2, NM_001364330.2, NM_001364333.2 and 18 more transcripts); c.494-4A>G (NM_001364344.2, NM_001364354.2, NM_001364332.2 and 3 more transcripts); c.260-4A>G (NM_001364353.2, NM_001364356.2); c.632-4A>G (NM_001131005.2, NM_001364352.2, NM_001364343.2); c.692-4A>G (NM_001193347.1, NM_001364338.2); c.212-4A>G (NM_001364357.2).
Identifiers: ClinVar variation 3656567 (VCV003656567.2).